The following is an entry in ClinVar:

NM_017780.4(CHD7):c.5697C>G (p.Gly1899=)

Gene: CHD7 (chromodomain helicase DNA binding protein 7; plus strand). Cytogenetic location: 8q12.2.
Variant type: single nucleotide variant.
Coding change: c.5697C>G on transcript NM_017780.4 (MANE Select); coding-DNA position 5697, C replaced by G.
Protein change: p.Gly1899=; no amino-acid change (glycine 1899 retained).
Molecular consequence: synonymous variant. On other transcripts: intron variant (1).
Genome position (GRCh38, 1-based): chr8:60,852,050, C>G. VCF-style: chr8-60852050-C-G. GRCh37 (hg19) VCF-style: chr8-61764609-C-G.
Other names: c.1717-10179C>G (NM_001316690.1).
Identifiers: ClinVar variation 166869 (VCV000166869.58), dbSNP rs528130317, ClinGen allele CA233726.

ClinVar aggregate classification (germline): Conflicting classifications of pathogenicity. Review status: criteria provided, conflicting classifications (1 of 4 stars). 11 submissions from 11 submitters: Uncertain significance (1); Benign (7); Likely benign (1). 2 of the submissions do not count toward it. Last evaluated 2026-07-01.

Conditions:
Inborn genetic diseases. Identifiers: MedGen C0950123, MeSH D030342.
CHARGE syndrome (CHARGE). Also called: CHARGE ASSOCIATION--COLOBOMA, HEART ANOMALY, CHOANAL ATRESIA, RETARDATION, GENITAL AND EAR ANOMALIES; Hittner Hirsch Kreh syndrome; Coloboma, heart anomaly, choanal atresia, retardation, genital and ear anomalies; CHARGE association; Hall-Hittner syndrome. Identifiers: Orphanet 138, MedGen C0265354, MONDO:0008965.
Hypogonadotropic hypogonadism 5 with or without anosmia (KAL5). Also called: HYPOGONADOTROPIC HYPOGONADISM 5 WITH ANOSMIA; HYPOGONADOTROPHIC HYPOGONADISM 5 WITHOUT ANOSMIA; CHD7-Related GnRH Deficiency (Kallmann Syndrome 5). Identifiers: Orphanet 478, MedGen C3552553, MONDO:0012880, OMIM 612370. Disease mechanism: loss of function.

Allele frequency attached by ClinVar (database versions not stated): gnomAD 0.00004 and 0.00030; TOPMed 0.00016; 1000 Genomes Project 0.00140; 1000 Genomes Project 30x 0.00125.
gnomAD v4.1: 1,023 of 1,613,552 alleles (0.063%); highest among the groups gnomAD compares: South Asian, 0.88%; 13 homozygotes.

Submissions (11):

CeGaT Center for Human Genetics Tuebingen
Classification: Benign. Last evaluated: 2026-07-01. Review status: criteria provided, single submitter. Criteria: CeGaT Center For Human Genetics Tuebingen Variant Classification Criteria Version 2. Collection method: clinical testing. Allele origin: germline. Affected: yes. Observed: 28 variant alleles.
Comment: CHD7: BP4, BP7, BS1, BS2

Labcorp Genetics (formerly Invitae), Labcorp
Classification: Benign for CHARGE syndrome. Last evaluated: 2026-01-28. Review status: criteria provided, single submitter. Criteria: Invitae Variant Classification Sherloc (09022015). Collection method: clinical testing. Allele origin: germline.

Blueprint Genetics
Classification: Likely benign. Last evaluated: 2024-11-27. Review status: criteria provided, single submitter. Criteria: ACMG Guidelines, 2015. Collection method: clinical testing. Allele origin: germline.

Women's Health and Genetics/Laboratory Corporation of America, LabCorp
Classification: Benign. Last evaluated: 2024-06-17. Review status: criteria provided, single submitter. Criteria: LabCorp Variant Classification Summary - May 2015. Collection method: clinical testing. Allele origin: germline.

Athena Diagnostics
Classification: Benign. Last evaluated: 2021-03-03. Review status: criteria provided, single submitter. Criteria: Athena Diagnostics criteria. Collection method: clinical testing. Allele origin: unknown.

GeneDx
Classification: Benign. Last evaluated: 2019-12-31. Review status: criteria provided, single submitter. Criteria: GeneDx Variant Classification Process June 2021. Collection method: clinical testing. Allele origin: germline. Affected: yes.

Illumina Laboratory Services, Illumina
Classification: Benign for Kallmann Syndrome 5. Last evaluated: 2018-01-12. Review status: criteria provided, single submitter. Criteria: ICSL Variant Classification Criteria 13 December 2019. Collection method: clinical testing. Allele origin: germline.
Comment: This variant was observed in the ICSL laboratory as part of a predisposition screen in an ostensibly healthy population. It had not been previously curated by ICSL or reported in the Human Gene Mutation Database (HGMD: prior to June 1st, 2018), and was therefore a candidate for classification through an automated scoring system. Utilizing variant allele frequency, disease prevalence and penetrance estimates, and inheritance mode, an automated score was calculated to assess if this variant is too frequent to cause the disease. Based on the score and internal cut-off values, a variant classified as benign is not then subjected to further curation. The score for this variant resulted in a classification of benign for this disease.

Ambry Genetics
Classification: Benign for Inborn genetic diseases. Last evaluated: 2017-08-11. Review status: criteria provided, single submitter. Criteria: Ambry Variant Classification Scheme 2023. Collection method: clinical testing. Allele origin: germline.

Eurofins Ntd Llc (ga)
Classification: Uncertain significance. Last evaluated: 2014-01-16. Review status: criteria provided, single submitter. Criteria: EGL Classification Definitions 2015. Collection method: clinical testing. Allele origin: germline. Observed: 1 variant allele, 1 heterozygote.

Clinical Genetics DNA and cytogenetics Diagnostics Lab, Erasmus MC, Erasmus Medical Center
Classification: Likely benign. Review status: no assertion criteria provided. Collection method: clinical testing. Allele origin: germline. Affected: yes. Study: VKGL Data-share Consensus. Not counted in ClinVar's aggregate classification.

Joint Genome Diagnostic Labs from Nijmegen and Maastricht, Radboudumc and MUMC+
Classification: Likely benign. Review status: no assertion criteria provided. Collection method: clinical testing. Allele origin: germline. Affected: yes. Study: VKGL Data-share Consensus. Not counted in ClinVar's aggregate classification.